The following is an entry in ClinVar:

ClinVar aggregate classification (germline): Uncertain significance (1 of 4 stars; one submission).

Conditions:
Infantile-onset ascending hereditary spastic paralysis (IAHSP). Also called: Autosomal Recessive Juvenile Amyotrophic Lateral Sclerosis; Infantile-Onset Ascending Hereditary Spastic Paralysis (IAHSP). Identifiers: Orphanet 293168, MedGen C2931441, MONDO:0011797, OMIM 607225. Disease mechanism: loss of function.

Allele frequency attached by ClinVar (database versions not stated): gnomAD 0.00002; gnomAD exomes 0.00003; ExAC 0.00008; 1000 Genomes Project 30x 0.00031; 1000 Genomes Project 0.00040.
gnomAD v4.1: 41 of 1,613,576 alleles (0.0025%); highest among the groups gnomAD compares: Non-Finnish European, 0.0034%; no homozygotes.

Submission:

Labcorp Genetics (formerly Invitae), Labcorp
Classification: Uncertain significance for Infantile-onset ascending hereditary spastic paralysis. Last evaluated: 2022-04-08. Review status: criteria provided, single submitter. Criteria: Invitae Variant Classification Sherloc (09022015). Collection method: clinical testing. Allele origin: germline.
Comment: This sequence change replaces aspartic acid, which is acidic and polar, with asparagine, which is neutral and polar, at codon 1272 of the ALS2 protein (p.Asp1272Asn). This variant is present in population databases (rs200697299, gnomAD 0.009%). This variant has not been reported in the literature in individuals affected with ALS2-related conditions. Algorithms developed to predict the effect of missense changes on protein structure and function (SIFT, PolyPhen-2, Align-GVGD) all suggest that this variant is likely to be tolerated. In summary, the available evidence is currently insufficient to determine the role of this variant in disease. Therefore, it has been classified as a Variant of Uncertain Significance.

NM_020919.4(ALS2):c.3814G>A (p.Asp1272Asn)

Gene: ALS2 (alsin Rho guanine nucleotide exchange factor ALS2; minus strand). Cytogenetic location: 2q33.1.
Variant type: single nucleotide variant.
Coding change: c.3814G>A on transcript NM_020919.4 (MANE Select); coding-DNA position 3814, G replaced by A.
Protein change: p.Asp1272Asn; replaces aspartic acid 1272 with asparagine.
Molecular consequence: missense variant.
Genome position (GRCh38, 1-based): chr2:201,718,099, C>T on the plus strand (G>A on the coding strand, the complement: ALS2 is on the minus strand). VCF-style: chr2-201718099-C-T. GRCh37 (hg19) VCF-style: chr2-202582822-C-T.
Other names: c.3814G>A, p.Asp1272Asn (NM_001410975.1); short protein forms D1272N.
Identifiers: ClinVar variation 2154317 (VCV002154317.1), dbSNP rs200697299, ClinGen allele CA2057759.